The following is an entry in ClinVar:

ClinVar aggregate classification (germline): Uncertain significance (1 of 4 stars; one submission).

Submission:

CeGaT Center for Human Genetics Tuebingen
Classification: Uncertain significance. Last evaluated: 2026-09-01. Review status: criteria provided, single submitter. Criteria: CeGaT Center For Human Genetics Tuebingen Variant Classification Criteria Version 2. Collection method: clinical testing. Allele origin: germline. Affected: yes. Observed: 1 variant allele.
Comment: BTD: PM2, PM3

NM_001370658.1(BTD):c.1390T>A (p.Phe464Ile)

Gene: BTD (biotinidase; plus strand). Cytogenetic location: 3p25.1.
Variant type: single nucleotide variant.
Coding change: c.1390T>A on transcript NM_001370658.1 (MANE Select); coding-DNA position 1390, T replaced by A.
Protein change: p.Phe464Ile; replaces phenylalanine 464 with isoleucine.
Molecular consequence: missense variant. On other transcripts: intron variant (8).
Genome position (GRCh38, 1-based): chr3:15,645,306, T>A. VCF-style: chr3-15645306-T-A. GRCh37 (hg19) VCF-style: chr3-15686813-T-A.
Other names: c.1390T>A, p.Phe464Ile (NM_001281723.4, NM_001281724.3, NM_001281725.3 and 16 more transcripts); c.1015+375T>A (NM_001370752.1, NM_001407379.1); c.399+3249T>A (NM_001370753.1, NM_001407400.1, NM_001407401.1 and 3 more transcripts); short protein forms F464I.
Identifiers: ClinVar variation 5040689 (VCV005040689.1).